The following is an entry in ClinVar:

NM_001164508.2(NEB):c.6381T>A (p.Asp2127Glu)

Gene: NEB (nebulin; minus strand). Cytogenetic location: 2q23.3.
Variant type: single nucleotide variant.
Coding change: c.6381T>A on transcript NM_001164508.2 (MANE Select); coding-DNA position 6381, T replaced by A.
Protein change: p.Asp2127Glu; replaces aspartic acid 2127 with glutamic acid.
Molecular consequence: missense variant.
Genome position (GRCh38, 1-based): chr2:151,656,267, A>T on the plus strand (T>A on the coding strand, the complement: NEB is on the minus strand). VCF-style: chr2-151656267-A-T. GRCh37 (hg19) VCF-style: chr2-152512781-A-T.
Other names: c.6381T>A, p.Asp2127Glu (NM_001164507.2, NM_001271208.2, NM_004543.5); short protein forms D2127E.
Identifiers: ClinVar variation 257825 (VCV000257825.41), dbSNP rs368302286, ClinGen allele CA1910114.
Genomic context (GRCh38, chr2:151,656,267, plus strand): 5'-AAGGAGGATGTACTTGTGAATCAGGTGCTTGTAGTTAGTGTTGGTGATGTTGGCTTGGGC[A>T]TCCTTTGCAGCCGTGACACTGAGCATGTCGGCAGGGGTGTGGTAGCTGGTCTTTGTGTTC-3'
Protein context (NP_001157980.2, residues 2117-2137): ADMLSVTAAK[Asp2127Glu]AQANITNTNY

ClinVar aggregate classification (germline): Conflicting classifications of pathogenicity. Review status: criteria provided, conflicting classifications (1 of 4 stars). 9 submissions from 9 submitters: Uncertain significance (5); Likely benign (3). 1 of the submissions does not count toward it. Last evaluated 2026-01-02.

Conditions:
Nemaline myopathy 2 (NEM2). Also called: Nemaline myopathy 2, autosomal recessive. Identifiers: MedGen C1850569, MONDO:0009725, OMIM 256030.

Allele frequency attached by ClinVar (database versions not stated): ESP Exome Variant Server 0.00016; gnomAD 0.00018 and 0.00020; TOPMed 0.00023; ExAC 0.00028; gnomAD exomes 0.00028.
gnomAD v4.1: 396 of 1,613,614 alleles (0.025%); highest among the groups gnomAD compares: Non-Finnish European, 0.031%; no homozygotes.

Submissions (9):

Labcorp Genetics (formerly Invitae), Labcorp
Classification: Likely benign for Nemaline myopathy 2. Last evaluated: 2026-01-02. Review status: criteria provided, single submitter. Criteria: Invitae Variant Classification Sherloc (09022015). Collection method: clinical testing. Allele origin: germline.

CeGaT Center for Human Genetics Tuebingen
Classification: Uncertain significance. Last evaluated: 2025-08-01. Review status: criteria provided, single submitter. Criteria: CeGaT Center For Human Genetics Tuebingen Variant Classification Criteria Version 2. Collection method: clinical testing. Allele origin: germline. Affected: yes. Observed: 2 variant alleles.
Comment: NEB: PM2, BP1, BP4

Blueprint Genetics
Classification: Uncertain significance. Last evaluated: 2024-10-16. Review status: criteria provided, single submitter. Criteria: ACMG Guidelines, 2015. Collection method: clinical testing. Allele origin: germline.

Revvity Omics, Revvity
Classification: Uncertain significance. Last evaluated: 2023-02-06. Review status: criteria provided, single submitter. Criteria: ACMG Guidelines, 2015. Collection method: clinical testing. Allele origin: germline.

Athena Diagnostics
Classification: Uncertain significance. Last evaluated: 2020-12-31. Review status: criteria provided, single submitter. Criteria: Athena Diagnostics criteria. Collection method: clinical testing. Allele origin: unknown.

GeneDx
Classification: Likely benign. Last evaluated: 2017-08-10. Review status: criteria provided, single submitter. Criteria: GeneDx Variant Classification (06012015). Collection method: clinical testing. Allele origin: germline. Affected: yes.
Comment: This variant is considered likely benign or benign based on one or more of the following criteria: it is a conservative change, it occurs at a poorly conserved position in the protein, it is predicted to be benign by multiple in silico algorithms, and/or has population frequency not consistent with disease.

Illumina Laboratory Services, Illumina
Classification: Uncertain significance for Nemaline myopathy 2. Last evaluated: 2017-04-27. Review status: criteria provided, single submitter. Criteria: ICSL Variant Classification Criteria 13 December 2019. Collection method: clinical testing. Allele origin: germline.
Comment: This variant was observed as part of a predisposition screen in an ostensibly healthy population. A literature search was performed for the gene, cDNA change, and amino acid change (where applicable). Publications were found based on this search. However, the evidence from the literature, in combination with allele frequency data from public databases where available, was not sufficient to rule this variant in or out of causing disease. Therefore, this variant is classified as a variant of unknown significance.

PreventionGenetics, part of Exact Sciences
Classification: Likely benign. Review status: criteria provided, single submitter. Criteria: ACMG Guidelines, 2015. Collection method: clinical testing. Allele origin: germline.

Natera, Inc.
Classification: Uncertain significance for Nemaline myopathy type 2. Last evaluated: 2019-12-31. Review status: no assertion criteria provided. Collection method: clinical testing. Allele origin: germline. Not counted in ClinVar's aggregate classification.

Literature cited by the submitters: PubMed 25214167 (cited by Athena Diagnostics and Illumina Laboratory Services, Illumina).